The following is an entry in ClinVar:

ClinVar aggregate classification (germline): Uncertain significance (1 of 4 stars; one submission).

Conditions:
Developmental and epileptic encephalopathy, 27 (DEE27). Also called: GRIN2B-Related Neurodevelopmental Disorder; Epileptic encephalopathy, early infantile, 27. Identifiers: Orphanet 3451, MedGen C4015316, MONDO:0014505, OMIM 616139.
Intellectual developmental disorder, autosomal dominant 6, with or without seizures. Also called: GRIN2B-related developmental delay, intellectual disability and autism spectrum disorder; Intellectual disability, autosomal dominant 6. Identifiers: Orphanet 589547, MedGen C3151411, MONDO:0013509, OMIM 613970.

Allele frequency attached by ClinVar (database versions not stated): gnomAD exomes below 0.00001.
gnomAD v4.1: 3 of 1,613,816 alleles (0.00019%); highest among the groups gnomAD compares: Non-Finnish European, 0.00017%; no homozygotes.

Submission:

Labcorp Genetics (formerly Invitae), Labcorp
Classification: Uncertain significance for Developmental and epileptic encephalopathy, 27; Intellectual developmental disorder, autosomal dominant 6, with or without seizures. Last evaluated: 2022-08-10. Review status: criteria provided, single submitter. Criteria: Invitae Variant Classification Sherloc (09022015). Collection method: clinical testing. Allele origin: germline.
Comment: This sequence change replaces glycine, which is neutral and non-polar, with glutamic acid, which is acidic and polar, at codon 1170 of the GRIN2B protein (p.Gly1170Glu). This variant is not present in population databases (gnomAD no frequency). This variant has not been reported in the literature in individuals affected with GRIN2B-related conditions. Advanced modeling of protein sequence and biophysical properties (such as structural, functional, and spatial information, amino acid conservation, physicochemical variation, residue mobility, and thermodynamic stability) performed at Invitae indicates that this missense variant is not expected to disrupt GRIN2B protein function. In summary, the available evidence is currently insufficient to determine the role of this variant in disease. Therefore, it has been classified as a Variant of Uncertain Significance.

NM_000834.5(GRIN2B):c.3509G>A (p.Gly1170Glu)

Gene: GRIN2B (glutamate ionotropic receptor NMDA type subunit 2B; minus strand). Cytogenetic location: 12p13.1.
Variant type: single nucleotide variant.
Coding change: c.3509G>A on transcript NM_000834.5 (MANE Select); coding-DNA position 3509, G replaced by A.
Protein change: p.Gly1170Glu; replaces glycine 1170 with glutamic acid.
Molecular consequence: missense variant.
Genome position (GRCh38, 1-based): chr12:13,563,729, C>T on the plus strand (G>A on the coding strand, the complement: GRIN2B is on the minus strand). VCF-style: chr12-13563729-C-T. GRCh37 (hg19) VCF-style: chr12-13716663-C-T.
Other names: c.3509G>A, p.Gly1170Glu (NM_001413992.1); short protein forms G1170E.
Identifiers: ClinVar variation 1965538 (VCV001965538.5), dbSNP rs1247177487, ClinGen allele CA383988924.